The following is an entry in ClinVar:

ClinVar aggregate classification (germline): Pathogenic/Likely pathogenic. Review status: criteria provided, multiple submitters, no conflicts (2 of 4 stars). 4 submissions from 4 submitters: Pathogenic (3); Likely pathogenic (1). Last evaluated 2026-07-03.

Conditions:
Parkinsonian-pyramidal syndrome. Also called: PARKINSON DISEASE 15, AUTOSOMAL RECESSIVE; PALLIDOPYRAMIDAL SYNDROME; PARKINSON DISEASE 15, AUTOSOMAL RECESSIVE EARLY-ONSET. Identifiers: Orphanet 171695, MedGen C1850100, MONDO:0009830, OMIM 260300.

Allele frequency attached by ClinVar (database versions not stated): gnomAD exomes 0.00001; gnomAD 0.00003; TOPMed 0.00003; ESP Exome Variant Server 0.00008; ExAC 0.00001.
gnomAD v4.1: 24 of 1,614,006 alleles (0.0015%); highest among the groups gnomAD compares: East Asian, 0.0045%; no homozygotes.

Submissions (4):

GeneDx
Classification: Pathogenic. Last evaluated: 2026-07-03. Review status: criteria provided, single submitter. Criteria: GeneDx Variant Classification Process June 2021. Collection method: clinical testing. Allele origin: germline.
Comment: Nonsense variant predicted to result in protein truncation or nonsense mediated decay in a gene for which loss of function is a known mechanism of disease; Not observed at significant frequency in large population cohorts (gnomAD); This variant is associated with the following publications: (PMID: 35861376, 31965297)

Fulgent Genetics
Classification: Pathogenic for Parkinsonian-pyramidal syndrome. Last evaluated: 2024-05-06. Review status: criteria provided, single submitter. Criteria: ACMG Guidelines, 2015. Collection method: clinical testing. Allele origin: germline.

Labcorp Genetics (formerly Invitae), Labcorp
Classification: Pathogenic for Parkinsonian-pyramidal syndrome. Last evaluated: 2023-07-12. Review status: criteria provided, single submitter. Criteria: Invitae Variant Classification Sherloc (09022015). Collection method: clinical testing. Allele origin: germline.
Comment: This sequence change creates a premature translational stop signal (p.Arg345*) in the FBXO7 gene. It is expected to result in an absent or disrupted protein product. Loss-of-function variants in FBXO7 are known to be pathogenic (PMID: 21347293). This variant is present in population databases (rs151103559, gnomAD 0.007%). For these reasons, this variant has been classified as Pathogenic. ClinVar contains an entry for this variant (Variation ID: 2429049). This premature translational stop signal has been observed in individual(s) with clinical features of FBXO7-related conditions (PMID: 31965297).

Greenwood Genetic Center Diagnostic Laboratories, Greenwood Genetic Center
Classification: Likely pathogenic for Parkinsonian-pyramidal syndrome. Last evaluated: 2022-12-28. Review status: criteria provided, single submitter. Criteria: ACMG Guidelines, 2015. Collection method: clinical testing. Allele origin: germline. Affected: yes.
Comment: PVS1, PM2

Literature cited by the submitters: PubMed 21347293 (cited by Labcorp Genetics (formerly Invitae), Labcorp); PubMed 31965297 (cited by Labcorp Genetics (formerly Invitae), Labcorp).

NM_012179.4(FBXO7):c.1033C>T (p.Arg345Ter)

Gene: FBXO7 (F-box protein 7; plus strand). Cytogenetic location: 22q12.3.
Variant type: single nucleotide variant.
Coding change: c.1033C>T on transcript NM_012179.4 (MANE Select); coding-DNA position 1033, C replaced by T.
Protein change: p.Arg345Ter; replaces arginine 345 with a stop codon.
Molecular consequence: nonsense.
Genome position (GRCh38, 1-based): chr22:32,493,170, C>T. VCF-style: chr22-32493170-C-T. GRCh37 (hg19) VCF-style: chr22-32889157-C-T.
Other names: c.1033C>T (NM_012179.3); c.796C>T, p.Arg266Ter (NM_001033024.2); c.691C>T, p.Arg231Ter (NM_001257990.2); short protein forms R231*, R266*, R345*.
Identifiers: ClinVar variation 2429049 (VCV002429049.10), dbSNP rs151103559, ClinGen allele CA10201630.
Genomic context (GRCh38, chr22:32,493,170, plus strand): 5'-AACCTACCAGATGTATTTGGGTTGGTCGTCCTCCCATTGGAACTGAAACTACGGATCTTC[C>T]GACTTCTGGATGTTCGTTCCGTCTTGTCTTTGTCTGCGGTTTGTCGTGACCTCTTTACTG-3'